The following is an entry in ClinVar:

NM_001281740.3(FHOD3):c.1530G>A (p.Pro510=)

Gene: FHOD3 (formin homology 2 domain containing 3; plus strand). Cytogenetic location: 18q12.2.
Variant type: single nucleotide variant.
Coding change: c.1530G>A on transcript NM_001281740.3 (MANE Select); coding-DNA position 1530, G replaced by A.
Protein change: p.Pro510=; no amino-acid change (proline 510 retained).
Molecular consequence: synonymous variant. On other transcripts: intron variant (2).
Genome position (GRCh38, 1-based): chr18:36,652,813, G>A. VCF-style: chr18-36652813-G-A. GRCh37 (hg19) VCF-style: chr18-34232776-G-A.
Other names: c.1197-5262G>A (NM_025135.5, NM_001281739.3).
Identifiers: ClinVar variation 4980863 (VCV004980863.1).

ClinVar aggregate classification (germline): Likely benign (1 of 4 stars; one submission).

Conditions:
FHOD3-related disorder. Also called: FHOD3-related condition.

gnomAD v4.1: 47 of 1,535,860 alleles (0.0031%); highest among the groups gnomAD compares: Middle Eastern, 0.017%; no homozygotes.

Submission:

PreventionGenetics, part of Exact Sciences
Classification: Likely benign for FHOD3-related condition. Last evaluated: 2026-07-22. Review status: criteria provided, single submitter. Criteria: ACMG Guidelines, 2015. Collection method: clinical testing. Allele origin: germline.
Comment: This variant is classified as likely benign based on ACMG/AMP sequence variant interpretation guidelines (Richards et al. 2015 PMID: 25741868, with internal and published modifications).